The following is an entry in ClinVar:

NM_130797.4(DPP6):c.580A>G (p.Ile194Val)

Gene: DPP6 (dipeptidyl peptidase like 6; plus strand). Cytogenetic location: 7q36.2.
Variant type: single nucleotide variant.
Coding change: c.580A>G on transcript NM_130797.4 (MANE Select); coding-DNA position 580, A replaced by G.
Protein change: p.Ile194Val; replaces isoleucine 194 with valine.
Molecular consequence: missense variant. On other transcripts: non-coding transcript variant (2).
Genome position (GRCh38, 1-based): chr7:154,566,869, A>G. VCF-style: chr7-154566869-A-G. GRCh37 (hg19) VCF-style: chr7-154263954-A-G.
Other names: c.388A>G, p.Ile130Val (NM_001039350.3, NM_001364501.2); c.394A>G, p.Ile132Val (NM_001290252.2, NM_001364502.2, NM_001936.5); c.580A>G, p.Ile194Val (NM_001290253.2); c.397A>G, p.Ile133Val (NM_001364497.2, NM_001364498.2, NM_001364499.2 and 1 more transcripts); short protein forms I130V, I132V, I133V, I194V.
Identifiers: ClinVar variation 3025934 (VCV003025934.22), dbSNP rs1380601567, ClinGen allele CA370201671.
Genomic context (GRCh38, chr7:154,566,869, plus strand): 5'-GCTTTAAAATTCTTTGTCTATTTTTTCTTTTAGGAATCATTAAGAGCCATCAGATATGAA[A>G]TATCTCCAGATAGAGAGTATGCACTTTTTTCATACAATGTGGAACCCGTGAGTATTATCC-3'
Protein context (NP_570629.2, residues 184-204): IESLRAIRYE[Ile194Val]SPDREYALFS

ClinVar aggregate classification (germline): Uncertain significance (1 of 4 stars; one submission).

Allele frequency attached by ClinVar (database versions not stated): gnomAD 0.00001; gnomAD exomes 0.00001; TOPMed 0.00001.
gnomAD v4.1: 8 of 1,605,392 alleles (0.0005%); highest among the groups gnomAD compares: African/African-American, 0.004%; no homozygotes.

Submission:

CeGaT Center for Human Genetics Tuebingen
Classification: Uncertain significance. Last evaluated: 2024-02-01. Review status: criteria provided, single submitter. Criteria: CeGaT Center For Human Genetics Tuebingen Variant Classification Criteria Version 2. Collection method: clinical testing. Allele origin: germline. Affected: yes. Observed: 1 variant allele.
Comment: DPP6: PM2, BP4